The following is an entry in ClinVar:

ClinVar aggregate classification (germline): Likely benign (1 of 4 stars; one submission).

Allele frequency attached by ClinVar (database versions not stated): gnomAD 0.00742 and 0.00796; TOPMed 0.00848; 1000 Genomes Project 0.00899; 1000 Genomes Project 30x 0.00921.
gnomAD v4.1: 1,788 of 1,113,996 alleles (0.16%); highest among the groups gnomAD compares: African/African-American, 2.6%; 26 homozygotes.

Submission:

GeneDx
Classification: Likely benign. Last evaluated: 2018-06-14. Review status: criteria provided, single submitter. Criteria: GeneDx Variant Classification (06012015). Collection method: clinical testing. Allele origin: germline. Affected: yes.
Comment: This variant is considered likely benign or benign based on one or more of the following criteria: it is a conservative change, it occurs at a poorly conserved position in the protein, it is predicted to be benign by multiple in silico algorithms, and/or has population frequency not consistent with disease.

NM_144670.6(A2ML1):c.246+139A>G

Genes: A2ML1 (alpha-2-macroglobulin like 1; plus strand), A2ML1-AS1 (A2ML1 antisense RNA 1; minus strand). Cytogenetic location: 12p13.31.
Variant type: single nucleotide variant.
Coding change: c.246+139A>G on transcript NM_144670.6 (MANE Select); 139 bases into the intron after coding-DNA position 246, A replaced by G.
Molecular consequence: intron variant.
Genome position (GRCh38, 1-based): chr12:8,823,504, A>G. VCF-style: chr12-8823504-A-G. GRCh37 (hg19) VCF-style: chr12-8976100-A-G.
Identifiers: ClinVar variation 561671 (VCV000561671.1), dbSNP rs79649806, ClinGen allele CA232652760.